The following is an entry in ClinVar:

NM_003106.4(SOX2):c.255_256delinsT (p.Glu86fs)

Genes: SOX2 (SRY-box transcription factor 2; plus strand), SOX2-OT (SOX2 overlapping transcript; plus strand), LOC108281177 (SOX2 5' regulatory region; plus strand). Cytogenetic location: 3q26.33.
Variant type: Indel.
Coding change: c.255_256delinsT on transcript NM_003106.4 (MANE Select); coding-DNA positions 255 to 256, GG replaced by T.
Protein change: p.Glu86fs; shifts the reading frame from glutamic acid 86.
Molecular consequence: frameshift variant.
Genome position (GRCh38, 1-based): chr3:181,712,615-181,712,616, GG replaced by T. VCF-style: chr3-181712615-GG-T. GRCh37 (hg19) VCF-style: chr3-181430403-GG-T.
Other names: short protein forms E86fs.
Identifiers: ClinVar variation 1710324 (VCV001710324.1), dbSNP rs2473717674, ClinGen allele CA2580069112.

ClinVar aggregate classification (germline): Pathogenic (1 of 4 stars; one submission).

Conditions:
Anophthalmia. Identifiers: MedGen C0003119, HP:0000528. Disease mechanism: loss of function. Inheritance: Mendelian inheritance.

Submission:

Genetics Department, University Hospital of Toulouse
Classification: Pathogenic for Anophthalmia. Last evaluated: 2022-10-15. Review status: criteria provided, single submitter. Criteria: ACMG Guidelines, 2015. Collection method: clinical testing. Allele origin: germline. Affected: yes.
Comment: P (PSVS1, PS2, PM2)